The following is an entry in ClinVar:

NM_001308210.2(TSHZ1):c.544A>G (p.Ser182Gly)

Gene: TSHZ1 (teashirt zinc finger homeobox 1; plus strand). Cytogenetic location: 18q22.3.
Variant type: single nucleotide variant.
Coding change: c.544A>G on transcript NM_001308210.2 (MANE Select); coding-DNA position 544, A replaced by G.
Protein change: p.Ser182Gly; replaces serine 182 with glycine.
Molecular consequence: missense variant.
Genome position (GRCh38, 1-based): chr18:75,285,951, A>G. VCF-style: chr18-75285951-A-G. GRCh37 (hg19) VCF-style: chr18-72997906-A-G.
Other names: c.409A>G, p.Ser137Gly (NM_005786.6); c.409A>G (NM_005786.4); short protein forms S137G, S182G.
Identifiers: ClinVar variation 3040410 (VCV003040410.4), dbSNP rs201448115, ClinGen allele CA9001841.

ClinVar aggregate classification (germline): Conflicting classifications of pathogenicity. Review status: criteria provided, conflicting classifications (1 of 4 stars). 3 submissions from 3 submitters: Uncertain significance (1); Likely benign (1). 1 of the submissions does not count toward it. Last evaluated 2025-07-14.

Conditions:
TSHZ1-related disorder. Also called: TSHZ1-related condition.

Allele frequency attached by ClinVar (database versions not stated): 1000 Genomes Project 30x 0.00078; 1000 Genomes Project 0.00080; TOPMed 0.00091 and 0.00104; ESP Exome Variant Server 0.00100; gnomAD exomes 0.00101 and 0.00204; gnomAD 0.00124 and 0.00162; ExAC 0.00217.
gnomAD v4.1: 2,906 of 1,501,536 alleles (0.19%); highest among the groups gnomAD compares: Non-Finnish European, 0.24%; 5 homozygotes.

Submissions (3):

Ambry Genetics
Classification: Uncertain significance. Last evaluated: 2025-07-14. Review status: criteria provided, single submitter. Criteria: Ambry Variant Classification Scheme 2023. Collection method: clinical testing. Allele origin: germline.

Blueprint Genetics
Classification: Likely benign. Last evaluated: 2024-11-25. Review status: criteria provided, single submitter. Criteria: ACMG Guidelines, 2015. Collection method: clinical testing. Allele origin: germline.

PreventionGenetics, part of Exact Sciences
Classification: Likely benign for TSHZ1-related condition. Last evaluated: 2022-10-10. Review status: no assertion criteria provided. Collection method: clinical testing. Allele origin: germline. Not counted in ClinVar's aggregate classification.
Comment: This variant is classified as likely benign based on ACMG/AMP sequence variant interpretation guidelines (Richards et al. 2015 PMID: 25741868, with internal and published modifications).